The following is an entry in ClinVar:

NM_004560.4(ROR2):c.1995G>C (p.Met665Ile)

Gene: ROR2 (receptor tyrosine kinase like orphan receptor 2; minus strand). Cytogenetic location: 9q22.31.
Variant type: single nucleotide variant.
Coding change: c.1995G>C on transcript NM_004560.4 (MANE Select); coding-DNA position 1995, G replaced by C.
Protein change: p.Met665Ile; replaces methionine 665 with isoleucine.
Molecular consequence: missense variant.
Genome position (GRCh38, 1-based): chr9:91,724,499, C>G on the plus strand (G>C on the coding strand, the complement: ROR2 is on the minus strand). VCF-style: chr9-91724499-C-G. GRCh37 (hg19) VCF-style: chr9-94486781-C-G.
Other names: short protein forms M665I.
Identifiers: ClinVar variation 913200 (VCV000913200.4), dbSNP rs763115397, ClinGen allele CA5120515.

ClinVar aggregate classification (germline): Conflicting classifications of pathogenicity. Review status: criteria provided, conflicting classifications (1 of 4 stars). 2 submissions from 1 submitter: Uncertain significance (1); Benign (1). Last evaluated 2018-01-12.

Conditions:
Autosomal recessive Robinow syndrome (RRS1). Also called: COSTOVERTEBRAL SEGMENTATION DEFECT WITH MESOMELIA; COVESDEM SYNDROME; ROR2-Related Robinow Syndrome; ROBINOW SYNDROME, AUTOSOMAL RECESSIVE 1. Identifiers: Orphanet 1507, Orphanet 97360, MedGen C5399974, MONDO:0009999, OMIM 268310.
Brachydactyly type B1 (BDB1). Identifiers: Orphanet 572385, Orphanet 93383, MedGen C1862112, MONDO:0007220, OMIM 113000.

gnomAD v4.1: 13 of 1,614,226 alleles (0.00081%); highest among the groups gnomAD compares: South Asian, 0.014%; no homozygotes.

Submissions (2):

Illumina Laboratory Services, Illumina
Classification: Benign for Brachydactyly type B1. Last evaluated: 2018-01-12. Review status: criteria provided, single submitter. Criteria: ICSL Variant Classification Criteria 13 December 2019. Collection method: clinical testing. Allele origin: germline.
Comment: This variant was observed in the ICSL laboratory as part of a predisposition screen in an ostensibly healthy population. It had not been previously curated by ICSL or reported in the Human Gene Mutation Database (HGMD: prior to June 1st, 2018), and was therefore a candidate for classification through an automated scoring system. Utilizing variant allele frequency, disease prevalence and penetrance estimates, and inheritance mode, an automated score was calculated to assess if this variant is too frequent to cause the disease. Based on the score and internal cut-off values, a variant classified as benign is not then subjected to further curation. The score for this variant resulted in a classification of benign for this disease.

Illumina Laboratory Services, Illumina
Classification: Uncertain significance for Autosomal recessive Robinow syndrome. Last evaluated: 2018-01-12. Review status: criteria provided, single submitter. Criteria: ICSL Variant Classification Criteria 13 December 2019. Collection method: clinical testing. Allele origin: germline.